The following is an entry in ClinVar:

NM_000254.3(MTR):c.*4382C>T

Gene: MTR (5-methyltetrahydrofolate-homocysteine methyltransferase; plus strand). Cytogenetic location: 1q43.
Variant type: single nucleotide variant.
Coding change: c.*4382C>T on transcript NM_000254.3 (MANE Select); 4382 bases downstream of the stop codon, C replaced by T.
Molecular consequence: 3 prime UTR variant.
Genome position (GRCh38, 1-based): chr1:236,902,026, C>T. VCF-style: chr1-236902026-C-T. GRCh37 (hg19) VCF-style: chr1-237065326-C-T.
Other names: c.*4382C>T (NM_001291939.1, NM_001291940.2).
Identifiers: ClinVar variation 296668 (VCV000296668.6), dbSNP rs4659746, ClinGen allele CA10610558.

ClinVar aggregate classification (germline): Benign. Review status: criteria provided, multiple submitters, no conflicts (2 of 4 stars). 2 submissions from 2 submitters: Benign (2). Last evaluated 2018-01-13.

Conditions:
Disorders of Intracellular Cobalamin Metabolism. Identifiers: MedGen CN043592.

Allele frequency attached by ClinVar (database versions not stated): 1000 Genomes Project 0.54473; 1000 Genomes Project 30x 0.54497; TOPMed 0.56001; gnomAD 0.56629 and 0.56753; gnomAD exomes 0.63889.
gnomAD v4.1: 86,479 of 152,128 alleles (57%); highest among the groups gnomAD compares: South Asian, 61%; 24,961 homozygotes.

Submissions (2):

Illumina Laboratory Services, Illumina
Classification: Benign for Disorders of Intracellular Cobalamin Metabolism. Last evaluated: 2018-01-13. Review status: criteria provided, single submitter. Criteria: ICSL Variant Classification Criteria 13 December 2019. Collection method: clinical testing. Allele origin: germline.
Comment: This variant was observed in the ICSL laboratory as part of a predisposition screen in an ostensibly healthy population. It had not been previously curated by ICSL or reported in the Human Gene Mutation Database (HGMD: prior to June 1st, 2018), and was therefore a candidate for classification through an automated scoring system. Utilizing variant allele frequency, disease prevalence and penetrance estimates, and inheritance mode, an automated score was calculated to assess if this variant is too frequent to cause the disease. Based on the score and internal cut-off values, a variant classified as benign is not then subjected to further curation. The score for this variant resulted in a classification of benign for this disease.

Breakthrough Genomics
Classification: Benign. Review status: criteria provided, single submitter. Criteria: ACMG Guidelines, 2015. Collection method: not provided. Allele origin: germline. Inheritance: Autosomal recessive inheritance. Affected: yes.